The following is an entry in ClinVar:

ClinVar aggregate classification (germline): Uncertain significance (1 of 4 stars; one submission).

Allele frequency attached by ClinVar (database versions not stated): gnomAD exomes 0.00002 and 0.00001; ExAC 0.00003; TOPMed below 0.00001; gnomAD 0.00001.
gnomAD v4.1: 18 of 1,610,604 alleles (0.0011%); highest among the groups gnomAD compares: South Asian, 0.0077%; no homozygotes.

Submission:

Labcorp Genetics (formerly Invitae), Labcorp
Classification: Uncertain significance. Last evaluated: 2025-03-17. Review status: criteria provided, single submitter. Criteria: Invitae Variant Classification Sherloc (09022015). Collection method: clinical testing. Allele origin: germline.
Comment: This sequence change replaces methionine, which is neutral and non-polar, with valine, which is neutral and non-polar, at codon 255 of the MPDZ protein (p.Met255Val). This variant is present in population databases (rs759250710, gnomAD 0.01%). This variant has not been reported in the literature in individuals affected with MPDZ-related conditions. ClinVar contains an entry for this variant (Variation ID: 1357985). An algorithm developed to predict the effect of missense changes on protein structure and function outputs the following: PolyPhen-2: "Benign". The valine amino acid residue is found in multiple mammalian species, which suggests that this missense change does not adversely affect protein function. In summary, the available evidence is currently insufficient to determine the role of this variant in disease. Therefore, it has been classified as a Variant of Uncertain Significance.

NM_001378778.1(MPDZ):c.763A>G (p.Met255Val)

Gene: MPDZ (multiple PDZ domain crumbs cell polarity complex component; minus strand). Cytogenetic location: 9p23.
Variant type: single nucleotide variant.
Coding change: c.763A>G on transcript NM_001378778.1 (MANE Select); coding-DNA position 763, A replaced by G.
Protein change: p.Met255Val; replaces methionine 255 with valine.
Molecular consequence: missense variant.
Genome position (GRCh38, 1-based): chr9:13,221,485, T>C on the plus strand (A>G on the coding strand, the complement: MPDZ is on the minus strand). VCF-style: chr9-13221485-T-C. GRCh37 (hg19) VCF-style: chr9-13221484-T-C.
Other names: c.763A>G, p.Met255Val (NM_001261406.2, NM_001261407.2, NM_001330637.2 and 14 more transcripts); short protein forms M255V.
Identifiers: ClinVar variation 1357985 (VCV001357985.8), dbSNP rs759250710, ClinGen allele CA4988010.
Genomic context (GRCh38, chr9:13,221,485, plus strand): 5'-TTCCTCCTATGATGCCAAATCCCAAACCAGATCCATCATTCACCAATTCAATCGTTTCCA[T>C]GTGTTGCCAGTGAACCTACAAACAAAGCTCATATATGAATTTGTAGAAATTTACAAAGCA-3'
Protein context (NP_001365707.1, residues 245-265): AHSNPVHWQH[Met255Val]ETIELVNDGS